The following is an entry in ClinVar:

ClinVar aggregate classification (germline): Benign. Review status: criteria provided, multiple submitters, no conflicts (2 of 4 stars). 2 submissions from 2 submitters: Benign (2). Last evaluated 2018-06-19.

Allele frequency attached by ClinVar (database versions not stated): 1000 Genomes Project 30x 0.35525; TOPMed 0.35732; 1000 Genomes Project 0.36042; gnomAD 0.36543 and 0.36911; gnomAD exomes 0.42224.
gnomAD v4.1: 416,392 of 1,004,812 alleles (41%); highest among the groups gnomAD compares: Non-Finnish European, 44%; 88,551 homozygotes.

Submissions (2):

GeneDx
Classification: Benign. Last evaluated: 2018-06-19. Review status: criteria provided, single submitter. Criteria: GeneDx Variant Classification (06012015). Collection method: clinical testing. Allele origin: germline. Affected: yes.
Comment: This variant is considered likely benign or benign based on one or more of the following criteria: it is a conservative change, it occurs at a poorly conserved position in the protein, it is predicted to be benign by multiple in silico algorithms, and/or has population frequency not consistent with disease.

Breakthrough Genomics
Classification: Benign. Review status: criteria provided, single submitter. Criteria: ACMG Guidelines, 2015. Collection method: not provided. Allele origin: germline. Inheritance: Autosomal recessive inheritance. Affected: yes.

NM_030962.4(SBF2):c.56-64G>A

Gene: SBF2 (SET binding factor 2; minus strand). Cytogenetic location: 11p15.4.
Variant type: single nucleotide variant.
Coding change: c.56-64G>A on transcript NM_030962.4 (MANE Select); 64 bases into the intron before coding-DNA position 56, G replaced by A.
Molecular consequence: intron variant.
Genome position (GRCh38, 1-based): chr11:10,194,051, C>T on the plus strand (G>A on the coding strand, the complement: SBF2 is on the minus strand). VCF-style: chr11-10194051-C-T. GRCh37 (hg19) VCF-style: chr11-10215598-C-T.
Other names: c.56-64G>A (NM_001386342.1, NM_001386339.1).
Identifiers: ClinVar variation 670558 (VCV000670558.2), dbSNP rs4910097, ClinGen allele CA217871465.
Genomic context (GRCh38, chr11:10,194,051, plus strand): 5'-TTAATAAAATCAAAGTGAATCATTATTATAGGACACTAAAAACTACAAATACTCATTCTA[C>T]TCTTACTTATTTCTAAATGAATATTTGGTAAATAAGTTAATAAACTGATTAAACATTTTC-3'